The following is an entry in ClinVar:

NM_006073.4(TRDN):c.1805-21_1805-20dup

Gene: TRDN (triadin; minus strand). Cytogenetic location: 6q22.31.
Variant type: Duplication.
Coding change: c.1805-21_1805-20dup on transcript NM_006073.4 (MANE Select); 21 bases into the intron before coding-DNA position 1805 through 20 bases into the intron before coding-DNA position 1805, 2 bases duplicated (TT; older notation c.1805-21_1805-20dupTT).
Molecular consequence: intron variant.
Genome position (GRCh38, 1-based): chr6:123,260,645-123,260,646, AA duplicated on the plus strand (TT on the coding strand, the reverse complement: TRDN is on the minus strand); duplicating any 2 consecutive bases within chr6:123,260,645-123,260,659 gives the same sequence; the c. name uses the placement nearest the transcript's 3' end. VCF-style (leftmost placement, unchanged base first): chr6-123260644-G-GAA. GRCh37 (hg19) VCF-style: chr6-123581789-G-GAA.
Other names: p.?; c.1805-8_1805-7dup (NM_006073.4); c.1805-21_1805-20dup (NM_006073.3).
Identifiers: ClinVar variation 1236986 (VCV001236986.6), dbSNP rs11373802, ClinGen allele CA3983738.

ClinVar aggregate classification (germline): Benign. Review status: criteria provided, multiple submitters, no conflicts (2 of 4 stars). 4 submissions from 4 submitters: Benign (4). Last evaluated 2026-03-27.

Conditions:
Catecholaminergic polymorphic ventricular tachycardia 1. Also called: VENTRICULAR TACHYCARDIA, CATECHOLAMINERGIC POLYMORPHIC, 1, WITH OR WITHOUT ATRIAL DYSFUNCTION AND/OR DILATED CARDIOMYOPATHY; VENTRICULAR TACHYCARDIA, STRESS-INDUCED POLYMORPHIC 1; RYR2-Related Catecholaminergic Polymorphic Ventricular Tachycardia. Identifiers: Orphanet 3286, MedGen C1631597, MONDO:0011484, OMIM 604772.

Submissions (4):

Molecular Diagnostic Laboratory for Inherited Cardiovascular Disease, Montreal Heart Institute
Classification: Benign. Last evaluated: 2026-03-27. Review status: criteria provided, single submitter. Criteria: ACMG Guidelines, 2015. Collection method: clinical testing. Allele origin: germline. Affected: no.
Comment: BA1

Labcorp Genetics (formerly Invitae), Labcorp
Classification: Benign for Catecholaminergic polymorphic ventricular tachycardia 1. Last evaluated: 2025-12-07. Review status: criteria provided, single submitter. Criteria: Invitae Variant Classification Sherloc (09022015). Collection method: clinical testing. Allele origin: germline.

Mayo Clinic Laboratories, Mayo Clinic
Classification: Benign. Last evaluated: 2023-04-28. Review status: criteria provided, single submitter. Criteria: ACMG Guidelines, 2015. Collection method: clinical testing. Allele origin: germline. Observed: 35 variant alleles.

GeneDx
Classification: Benign. Last evaluated: 2019-08-10. Review status: criteria provided, single submitter. Criteria: GeneDx Variant Classification Process June 2021. Collection method: clinical testing. Allele origin: germline. Affected: yes.